The following is an entry in ClinVar:

ClinVar aggregate classification (germline): Uncertain significance (1 of 4 stars; one submission).

Conditions:
Brown-Vialetto-van Laere syndrome 2. Also called: SPINOCEREBELLAR ATAXIA WITH BLINDNESS AND DEAFNESS 2; Riboflavin transporter deficiency type 2. Identifiers: Orphanet 572543, Orphanet 97229, MedGen C3553538, MONDO:0013867, OMIM 614707.

Allele frequency attached by ClinVar (database versions not stated): gnomAD 0.00003.

Submission:

Labcorp Genetics (formerly Invitae), Labcorp
Classification: Uncertain significance for Brown-Vialetto-van Laere syndrome 2. Last evaluated: 2021-12-29. Review status: criteria provided, single submitter. Criteria: Invitae Variant Classification Sherloc (09022015). Collection method: clinical testing. Allele origin: germline.
Comment: In summary, the available evidence is currently insufficient to determine the role of this variant in disease. Therefore, it has been classified as a Variant of Uncertain Significance. Advanced modeling of protein sequence and biophysical properties (such as structural, functional, and spatial information, amino acid conservation, physicochemical variation, residue mobility, and thermodynamic stability) performed at Invitae indicates that this missense variant is expected to disrupt SLC52A2 protein function. ClinVar contains an entry for this variant (Variation ID: 583216). This variant has not been reported in the literature in individuals affected with SLC52A2-related conditions. This variant is present in population databases (no rsID available, gnomAD 0.007%). This sequence change replaces serine, which is neutral and polar, with arginine, which is basic and polar, at codon 299 of the SLC52A2 protein (p.Ser299Arg).

NM_001363118.2(SLC52A2):c.897C>G (p.Ser299Arg)

Gene: SLC52A2 (solute carrier family 52 member 2; plus strand). Cytogenetic location: 8q24.3.
Variant type: single nucleotide variant.
Coding change: c.897C>G on transcript NM_001363118.2 (MANE Select); coding-DNA position 897, C replaced by G.
Protein change: p.Ser299Arg; replaces serine 299 with arginine.
Molecular consequence: missense variant. On other transcripts: non-coding transcript variant (1).
Genome position (GRCh38, 1-based): chr8:144,360,389, C>G. VCF-style: chr8-144360389-C-G. GRCh37 (hg19) VCF-style: chr8-145584049-C-G.
Other names: c.897C>G, p.Ser299Arg (NM_001253815.2, NM_001253816.2, NM_001363120.2 and 2 more transcripts); c.405C>G, p.Ser135Arg (NM_001363122.2); short protein forms S299R, S135R.
Identifiers: ClinVar variation 583216 (VCV000583216.6), dbSNP rs782501346, ClinGen allele CA372628266.